The following is an entry in ClinVar:

NM_001267550.2(TTN):c.53743C>T (p.Arg17915Ter)

Genes: TTN (titin; minus strand), TTN-AS1 (TTN antisense RNA 1; plus strand). Cytogenetic location: 2q31.2.
Variant type: single nucleotide variant.
Coding change: c.53743C>T on transcript NM_001267550.2 (MANE Select); coding-DNA position 53743, C replaced by T.
Protein change: p.Arg17915Ter; replaces arginine 17915 with a stop codon.
Molecular consequence: nonsense.
Genome position (GRCh38, 1-based): chr2:178,605,552, G>A on the plus strand (C>T on the coding strand, the complement: TTN is on the minus strand). VCF-style: chr2-178605552-G-A. GRCh37 (hg19) VCF-style: chr2-179470279-G-A.
Other names: c.48820C>T, p.Arg16274Ter (NM_001256850.1); c.26548C>T, p.Arg8850Ter (NM_003319.4); c.46039C>T, p.Arg15347Ter (NM_133378.4); c.26923C>T, p.Arg8975Ter (NM_133432.3); c.27124C>T, p.Arg9042Ter (NM_133437.4); c.53743C>T (NM_001267550.1); short protein forms R17915*, R15347*, R9042*, R8975*, R16274*, R8850*.
Identifiers: ClinVar variation 534995 (VCV000534995.14), dbSNP rs753333359, ClinGen allele CA1993749.
Genomic context (GRCh38, chr2:178,605,552, plus strand): 5'-ACTCATACATTTGGTGTTCATCAAGATTTTCAACCAGAAAAGATGTGGTTGGGCAGAGTC[G>A]CTTGTTAACTCTTTCAAAGTCAGGTTTGTCATGACGCCGTTTTTCAATGATATATCCTTG-3'

ClinVar aggregate classification (germline): Pathogenic/Likely pathogenic. Review status: criteria provided, multiple submitters, no conflicts (2 of 4 stars). 4 submissions from 4 submitters: Pathogenic (2); Likely pathogenic (2). Last evaluated 2025-12-09.

Conditions:
Cardiovascular phenotype. Identifiers: MedGen CN230736.
Dilated cardiomyopathy 1G (CMD1G). Identifiers: Orphanet 154, MedGen C1858763, MONDO:0011400, OMIM 604145.
Autosomal recessive limb-girdle muscular dystrophy type 2J (LGMDR10). Also called: Limb-girdle muscular dystrophy, type 2J; MUSCULAR DYSTROPHY, LIMB-GIRDLE, AUTOSOMAL RECESSIVE 10. Identifiers: Orphanet 140922, MedGen C1837342, MONDO:0012127, OMIM 608807.
Early-onset myopathy with fatal cardiomyopathy (CMYO5). Also called: CONGENITAL MYOPATHY 5 WITH CARDIOMYOPATHY; Salih Myopathy. Identifiers: Orphanet 289377, MedGen C2673677, MONDO:0012714, OMIM 611705. Disease mechanism: loss of function.

Allele frequency attached by ClinVar (database versions not stated): gnomAD exomes below 0.00001 and 0.00001; ExAC 0.00001.
gnomAD v4.1: 6 of 1,612,314 alleles (0.00037%); highest among the groups gnomAD compares: Admixed American, 0.0017%; no homozygotes.

Submissions (4):

Labcorp Genetics (formerly Invitae), Labcorp
Classification: Likely pathogenic for Dilated cardiomyopathy 1G; Autosomal recessive limb-girdle muscular dystrophy type 2J. Last evaluated: 2025-12-09. Review status: criteria provided, single submitter. Criteria: Invitae Variant Classification Sherloc (09022015). Collection method: clinical testing. Allele origin: germline.
Comment: This sequence change creates a premature translational stop signal (p.Arg17915*) in the TTN gene. While this is not anticipated to result in nonsense mediated decay, it is expected to create a truncated TTN protein. This variant is present in population databases (rs753333359, gnomAD 0.003%). This premature translational stop signal has been observed in individual(s) with dilated cardiomyopathy (PMID: 34731013). ClinVar contains an entry for this variant (Variation ID: 534995). This variant is located in the A band of TTN (PMID: 25589632). Truncating variants in this region are significantly overrepresented in patients affected with dilated cardiomyopathy (PMID: 25589632). Truncating variants in this region have also been reported in individuals affected with autosomal recessive centronuclear myopathy (PMID: 23975875). In summary, the currently available evidence indicates that the variant is pathogenic, but additional data are needed to prove that conclusively. Therefore, this variant has been classified as Likely Pathogenic.

GeneDx
Classification: Likely pathogenic. Last evaluated: 2025-01-06. Review status: criteria provided, single submitter. Criteria: GeneDx Variant Classification Process June 2021. Collection method: clinical testing. Allele origin: germline.
Comment: Nonsense variant predicted to result in protein truncation or nonsense mediated decay in a gene for which loss of function is a known mechanism of disease; Located in the A-band, a region of TTN for which truncating variants are significantly associated with autosomal dominant cardiomyopathy and also with autosomal recessive skeletal myopathies (PMID: 22335739, 32778822); Identified in a patient with DCM who received a heart transplantation; this patient had additional variants in other cardiomyopathy-related genes (PMID: 34731013); Not observed at significant frequency in large population cohorts (gnomAD); This variant is associated with the following publications: (PMID: 34731013, 36264615, 22335739, 32778822)

Institute of Medical Genetics and Applied Genomics, University Hospital Tübingen
Classification: Pathogenic for Early-onset myopathy with fatal cardiomyopathy. Last evaluated: 2022-12-07. Review status: criteria provided, single submitter. Criteria: ACMG Guidelines, 2015. Collection method: clinical testing. Allele origin: germline. Inheritance: Autosomal recessive inheritance. Affected: yes.

Ambry Genetics
Classification: Pathogenic for Cardiovascular phenotype. Last evaluated: 2021-03-16. Review status: criteria provided, single submitter. Criteria: Ambry Variant Classification Scheme 2023. Collection method: clinical testing. Allele origin: germline.
Comment: The p.R8850* pathogenic mutation (also known as c.26548C>T), located in coding exon 106 of the TTN gene, results from a C to T substitution at nucleotide position 26548. This changes the amino acid from an arginine to a stop codon within coding exon 106. This exon is located in the A-band region of the N2-B isoform of the titin protein and is constitutively expressed in TTN transcripts (percent spliced in or PSI 100%). This alteration is expected to result in loss of function by premature protein truncation or nonsense-mediated mRNA decay. While truncating variants in TTN are present in 1-3% of the general population, truncating variants in the A-band are the most common cause of dilated cardiomyopathy (DCM) (Herman DS et al. N. Engl. J. Med., 2012 Feb;366:619-28; Roberts AM et al. Sci Transl Med, 2015 Jan;7:270ra6). TTN truncating variants encoded in constitutive exons (PSI >90%) have been found to be significantly associated with DCM regardless of their position in titin (Schafer S et al. Nat. Genet., 2017 01;49:46-53). This alteration has been observed in at least one individual with a personal and/or family history that is consistent with TTN-related disease (Ambry internal data). Based on the supporting evidence, this alteration is interpreted as a disease-causing mutation.

Literature cited by the submitters: PubMed 34731013 (cited by Labcorp Genetics (formerly Invitae), Labcorp); PubMed 25589632 (cited by Labcorp Genetics (formerly Invitae), Labcorp); PubMed 23975875 (cited by Labcorp Genetics (formerly Invitae), Labcorp).